The following is an entry in ClinVar:

NM_020361.5(CPA6):c.1072C>A (p.Leu358Ile)

Genes: ARFGEF1-DT (ARFGEF1 divergent transcript; plus strand), CPA6 (carboxypeptidase A6; minus strand). Cytogenetic location: 8q13.2.
Variant type: single nucleotide variant.
Coding change: c.1072C>A on transcript NM_020361.5 (MANE Select); coding-DNA position 1072, C replaced by A.
Protein change: p.Leu358Ile; replaces leucine 358 with isoleucine.
Molecular consequence: missense variant.
Genome position (GRCh38, 1-based): chr8:67,428,101, G>T on the plus strand (C>A on the coding strand, the complement: CPA6 is on the minus strand). VCF-style: chr8-67428101-G-T. GRCh37 (hg19) VCF-style: chr8-68340336-G-T.
Other names: short protein forms L358I.
Identifiers: ClinVar variation 2682615 (VCV002682615.1), dbSNP rs569248207, ClinGen allele CA4772726.

ClinVar aggregate classification (germline): Uncertain significance (1 of 4 stars; one submission).

Allele frequency attached by ClinVar (database versions not stated): gnomAD 0.00001; 1000 Genomes Project 30x 0.00016; 1000 Genomes Project 0.00020.
gnomAD v4.1: 43 of 1,612,988 alleles (0.0027%); highest among the groups gnomAD compares: South Asian, 0.041%; no homozygotes.

Submission:

Women's Health and Genetics/Laboratory Corporation of America, LabCorp
Classification: Uncertain significance. Last evaluated: 2023-11-17. Review status: criteria provided, single submitter. Criteria: LabCorp Variant Classification Summary - May 2015. Collection method: clinical testing. Allele origin: germline.
Comment: Variant summary: CPA6 c.1072C>A (p.Leu358Ile) results in a conservative amino acid change located in the peptidase M14, carboxypeptidase A domain (IPR000834) of the encoded protein sequence. Four of five in-silico tools predict a benign effect of the variant on protein function. The variant allele was found at a frequency of 6.8e-05 in 251006 control chromosomes, predominantly at a frequency of 0.00056 within the South Asian subpopulation in the gnomAD database. To our knowledge, no occurrence of c.1072C>A in individuals affected with CPA6-Related Disorders and no experimental evidence demonstrating its impact on protein function have been reported. No submitters have cited clinical-significance assessments for this variant to ClinVar after 2014. Based on the evidence outlined above, the variant was classified as uncertain significance.